The following is an entry in ClinVar:

NM_014822.4(SEC24D):c.1106A>G (p.Tyr369Cys)

Gene: SEC24D (SEC24 homolog D, COPII component; minus strand). Cytogenetic location: 4q26.
Variant type: single nucleotide variant.
Coding change: c.1106A>G on transcript NM_014822.4 (MANE Select); coding-DNA position 1106, A replaced by G.
Protein change: p.Tyr369Cys; replaces tyrosine 369 with cysteine.
Molecular consequence: missense variant.
Genome position (GRCh38, 1-based): chr4:118,768,247, T>C on the plus strand (A>G on the coding strand, the complement: SEC24D is on the minus strand). VCF-style: chr4-118768247-T-C. GRCh37 (hg19) VCF-style: chr4-119689402-T-C.
Other names: c.1109A>G, p.Tyr370Cys (NM_001318066.2); short protein forms Y370C, Y369C.
Identifiers: ClinVar variation 2043357 (VCV002043357.4), dbSNP rs2530136504, ClinGen allele CA358012855.

ClinVar aggregate classification (germline): Uncertain significance (1 of 4 stars; one submission).

Allele frequency attached by ClinVar (database versions not stated): gnomAD exomes below 0.00001.
gnomAD v4.1: 1 of 1,613,874 alleles (0.000062%); highest among the groups gnomAD compares: Non-Finnish European, 0.000085%; no homozygotes.

Submission:

Labcorp Genetics (formerly Invitae), Labcorp
Classification: Uncertain significance. Last evaluated: 2021-12-15. Review status: criteria provided, single submitter. Criteria: Invitae Variant Classification Sherloc (09022015). Collection method: clinical testing. Allele origin: germline.
Comment: This variant has not been reported in the literature in individuals affected with SEC24D-related conditions. In summary, the available evidence is currently insufficient to determine the role of this variant in disease. Therefore, it has been classified as a Variant of Uncertain Significance. Algorithms developed to predict the effect of missense changes on protein structure and function are either unavailable or do not agree on the potential impact of this missense change (SIFT: "Not Available"; PolyPhen-2: "Probably Damaging"; Align-GVGD: "Not Available"). This variant is not present in population databases (gnomAD no frequency). This sequence change replaces tyrosine, which is neutral and polar, with cysteine, which is neutral and slightly polar, at codon 369 of the SEC24D protein (p.Tyr369Cys).